The following is an entry in ClinVar:

ClinVar aggregate classification (germline): Pathogenic/Likely pathogenic. Review status: criteria provided, multiple submitters, no conflicts (2 of 4 stars). 2 submissions from 2 submitters: Pathogenic (1); Likely pathogenic (1). Last evaluated 2024-02-24.

Conditions:
Sucrase-isomaltase deficiency (CSID). Also called: SI DEFICIENCY; Congenital sucrose isomaltose malabsorption; Sucrose isomaltose enzyme deficiency; Deficiency of isomaltase. Identifiers: Orphanet 35122, MedGen C1283620, MONDO:0009114, OMIM 222900.

Allele frequency attached by ClinVar (database versions not stated): gnomAD 0.00001 and 0.00002; gnomAD exomes 0.00001 and 0.00002; ExAC 0.00002; TOPMed 0.00002.
gnomAD v4.1: 32 of 1,534,234 alleles (0.0021%); highest among the groups gnomAD compares: Non-Finnish European, 0.0028%; no homozygotes.

Submissions (2):

Labcorp Genetics (formerly Invitae), Labcorp
Classification: Pathogenic. Last evaluated: 2024-02-24. Review status: criteria provided, single submitter. Criteria: Invitae Variant Classification Sherloc (09022015). Collection method: clinical testing. Allele origin: germline.
Comment: This sequence change creates a premature translational stop signal (p.Gln278*) in the SI gene. It is expected to result in an absent or disrupted protein product. Loss-of-function variants in SI are known to be pathogenic (PMID: 16329100, 23103650, 25452324). This variant is present in population databases (rs754468827, gnomAD 0.002%). This variant has not been reported in the literature in individuals affected with SI-related conditions. ClinVar contains an entry for this variant (Variation ID: 1380031). Algorithms developed to predict the effect of sequence changes on RNA splicing suggest that this variant may disrupt the consensus splice site. For these reasons, this variant has been classified as Pathogenic.

Fulgent Genetics
Classification: Likely pathogenic for Sucrase-isomaltase deficiency. Last evaluated: 2024-01-30. Review status: criteria provided, single submitter. Criteria: ACMG Guidelines, 2015. Collection method: clinical testing. Allele origin: germline.

Literature cited by the submitters: PubMed 16329100 (cited by Labcorp Genetics (formerly Invitae), Labcorp); PubMed 23103650 (cited by Labcorp Genetics (formerly Invitae), Labcorp); PubMed 25452324 (cited by Labcorp Genetics (formerly Invitae), Labcorp).

NM_001041.4(SI):c.832C>T (p.Gln278Ter)

Gene: SI (sucrase-isomaltase; minus strand). Cytogenetic location: 3q26.1.
Variant type: single nucleotide variant.
Coding change: c.832C>T on transcript NM_001041.4 (MANE Select); coding-DNA position 832, C replaced by T.
Protein change: p.Gln278Ter; replaces glutamine 278 with a stop codon.
Molecular consequence: nonsense.
Genome position (GRCh38, 1-based): chr3:165,063,517, G>A on the plus strand (C>T on the coding strand, the complement: SI is on the minus strand). VCF-style: chr3-165063517-G-A. GRCh37 (hg19) VCF-style: chr3-164781305-G-A.
Other names: short protein forms Q278*.
Identifiers: ClinVar variation 1380031 (VCV001380031.7), dbSNP rs754468827, ClinGen allele CA2691289.
Genomic context (GRCh38, chr3:165,063,517, plus strand): 5'-TCATTAAAAAAACACCGAATGACTTTCCAGATGTATCTTCAATACACATAAAGAATGTTT[G>A]ATGGCCGTATAAATTATTATTATTCTATAAGGCAAGAATTTGAAAATACGATTTTCAAAT-3'